The following is an entry in ClinVar:

ClinVar aggregate classification (germline): Uncertain significance (1 of 4 stars; one submission).

Conditions:
Immunodeficiency 132A. Also called: Herpes simplex encephalitis, susceptibility to, 3. Identifiers: Orphanet 1930, MedGen C3553868, MONDO:0013920, OMIM 614849.

Allele frequency attached by ClinVar (database versions not stated): TOPMed 0.00002; gnomAD 0.00004; gnomAD exomes 0.00001; ExAC 0.00002.
gnomAD v4.1: 19 of 1,614,072 alleles (0.0012%); highest among the groups gnomAD compares: African/African-American, 0.004%; no homozygotes.

Submission:

Labcorp Genetics (formerly Invitae), Labcorp
Classification: Uncertain significance for Immunodeficiency 132A. Last evaluated: 2022-06-04. Review status: criteria provided, single submitter. Criteria: Invitae Variant Classification Sherloc (09022015). Collection method: clinical testing. Allele origin: germline.
Comment: This variant has not been reported in the literature in individuals affected with TRAF3-related conditions. Algorithms developed to predict the effect of missense changes on protein structure and function are either unavailable or do not agree on the potential impact of this missense change (SIFT: "Deleterious"; PolyPhen-2: "Benign"; Align-GVGD: "Class C0"). Algorithms developed to predict the effect of sequence changes on RNA splicing suggest that this variant may create or strengthen a splice site. In summary, the available evidence is currently insufficient to determine the role of this variant in disease. Therefore, it has been classified as a Variant of Uncertain Significance. This sequence change replaces arginine, which is basic and polar, with glutamine, which is neutral and polar, at codon 341 of the TRAF3 protein (p.Arg341Gln). This variant is present in population databases (rs760539192, gnomAD 0.003%).

NM_145725.3(TRAF3):c.1022G>A (p.Arg341Gln)

Gene: TRAF3 (TNF receptor associated factor 3; plus strand). Cytogenetic location: 14q32.32.
Variant type: single nucleotide variant.
Coding change: c.1022G>A on transcript NM_145725.3 (MANE Select); coding-DNA position 1022, G replaced by A.
Protein change: p.Arg341Gln; replaces arginine 341 with glutamine.
Molecular consequence: missense variant.
Genome position (GRCh38, 1-based): chr14:102,903,316, G>A. VCF-style: chr14-102903316-G-A. GRCh37 (hg19) VCF-style: chr14-103369653-G-A.
Other names: c.773G>A, p.Arg258Gln (NM_001199427.2); c.881G>A, p.Arg294Gln (NM_001385142.1); c.941G>A, p.Arg314Gln (NM_001385143.1); c.1022G>A, p.Arg341Gln (NM_003300.4); c.947G>A, p.Arg316Gln (NM_145726.3); short protein forms R294Q, R314Q, R341Q, R316Q, R258Q.
Identifiers: ClinVar variation 1918549 (VCV001918549.5), dbSNP rs760539192, ClinGen allele CA7359486.
Genomic context (GRCh38, chr14:102,903,316, plus strand): 5'-GAGTGATAGACAGCCAAGCAGAGAAACTGAAGGAGCTTGACAAGGAGATCCGGCCCTTCC[G>A]GCAGAACTGGGAGGAAGCAGACAGCATGAAGAGCAGCGTGGAGTCCCTCCAGAACCGCGT-3'
Protein context (NP_663777.1, residues 331-351): KELDKEIRPF[Arg341Gln]QNWEEADSMK